The following is an entry in ClinVar:

NM_001127392.3(MYRF):c.1108A>G (p.Lys370Glu)

Gene: MYRF (myelin regulatory factor; plus strand). Cytogenetic location: 11q12.2.
Variant type: single nucleotide variant.
Coding change: c.1108A>G on transcript NM_001127392.3 (MANE Select); coding-DNA position 1108, A replaced by G.
Protein change: p.Lys370Glu; replaces lysine 370 with glutamic acid.
Molecular consequence: missense variant.
Genome position (GRCh38, 1-based): chr11:61,771,945, A>G. VCF-style: chr11-61771945-A-G. GRCh37 (hg19) VCF-style: chr11-61539417-A-G.
Other names: c.1081A>G, p.Lys361Glu (NM_013279.4); short protein forms K361E, K370E.
Identifiers: ClinVar variation 4848757 (VCV004848757.1).
Genomic context (GRCh38, chr11:61,771,945, plus strand): 5'-TCCATCAAGTGGCAGCCTCATCAGCAGAACAAGTGGGCGACCCTGTACGATGCTAACTAC[A>G]AGGAGCTGTGAGTGCCCTACAACACTCCCCACTCCTCCAGGCCCCCCCACCTTGGGACGC-3'
Protein context (NP_001120864.1, residues 360-380): KWATLYDANY[Lys370Glu]ELPMLTYRVD

ClinVar aggregate classification (germline): Uncertain significance (1 of 4 stars; one submission).

gnomAD v4.1: 5 of 1,613,934 alleles (0.00031%); highest among the groups gnomAD compares: Middle Eastern, 0.016%; no homozygotes.

Submission:

Women's Health and Genetics/Laboratory Corporation of America, LabCorp
Classification: Uncertain significance. Last evaluated: 2026-04-08. Review status: criteria provided, single submitter. Criteria: LabCorp Variant Classification Summary - May 2015. Collection method: clinical testing. Allele origin: germline.
Comment: Variant summary: MYRF c.1108A>G (p.Lys370Glu) results in a conservative amino acid change in the encoded protein sequence. Algorithms developed to predict the effect of missense changes on protein structure and function are either unavailable or do not agree on the potential impact of this missense change. The variant allele was found at a frequency of 8e-06 in 251208 control chromosomes. The available data on variant occurrences in the general population are insufficient to allow any conclusion about variant significance. To our knowledge, no occurrence of c.1108A>G in individuals affected with MYRF-related conditions and no experimental evidence demonstrating its impact on protein function have been reported. No submitters have cited clinical-significance assessments for this variant to ClinVar. Based on the evidence outlined above, the variant was classified as uncertain significance.